The following is an entry in ClinVar:

NM_001377.3(DYNC2H1):c.5786T>C (p.Ile1929Thr)

Gene: DYNC2H1 (dynein cytoplasmic 2 heavy chain 1; plus strand). Cytogenetic location: 11q22.3.
Variant type: single nucleotide variant.
Coding change: c.5786T>C on transcript NM_001377.3 (MANE Select); coding-DNA position 5786, T replaced by C.
Protein change: p.Ile1929Thr; replaces isoleucine 1929 with threonine.
Molecular consequence: missense variant.
Genome position (GRCh38, 1-based): chr11:103,176,346, T>C. VCF-style: chr11-103176346-T-C. GRCh37 (hg19) VCF-style: chr11-103047075-T-C.
Other names: c.5786T>C, p.Ile1929Thr (NM_001080463.2); short protein forms I1929T.
Identifiers: ClinVar variation 1372212 (VCV001372212.6), dbSNP rs2134988923, ClinGen allele CA382244413.
Genomic context (GRCh38, chr11:103,176,346, plus strand): 5'-AGTTTACGTTTACTGATTGCACCCGGTTTGATGCACTGATAAAAGATGTCTTTCCGGGAA[T>C]TGAATTGAAAGAAGTGGAATATGATGAACTAAGTGCTGCATTAAAGCAGGTCTTTGAAGA-3'
Protein context (NP_001368.2, residues 1919-1939): DALIKDVFPG[Ile1929Thr]ELKEVEYDEL

ClinVar aggregate classification (germline): Uncertain significance (1 of 4 stars; one submission).

Conditions:
Jeune thoracic dystrophy. Also called: Jeune syndrome; Infantile thoracic dystrophy; Thoracic pelvic phalangeal dystrophy; Jeune's syndrome; Chondroectodermal dysplasia-like syndrome; Short-rib thoracic dysplasia. Identifiers: Orphanet 474, MedGen C0265275, MONDO:0018770.

gnomAD v4.1: 1 of 1,588,058 alleles (0.000063%); no homozygotes.

Submission:

Labcorp Genetics (formerly Invitae), Labcorp
Classification: Uncertain significance for Jeune thoracic dystrophy. Last evaluated: 2022-07-19. Review status: criteria provided, single submitter. Criteria: Invitae Variant Classification Sherloc (09022015). Collection method: clinical testing. Allele origin: germline.
Comment: In summary, the available evidence is currently insufficient to determine the role of this variant in disease. Therefore, it has been classified as a Variant of Uncertain Significance. Advanced modeling of protein sequence and biophysical properties (such as structural, functional, and spatial information, amino acid conservation, physicochemical variation, residue mobility, and thermodynamic stability) performed at Invitae indicates that this missense variant is not expected to disrupt DYNC2H1 protein function. ClinVar contains an entry for this variant (Variation ID: 1372212). This variant has not been reported in the literature in individuals affected with DYNC2H1-related conditions. This variant is not present in population databases (gnomAD no frequency). This sequence change replaces isoleucine, which is neutral and non-polar, with threonine, which is neutral and polar, at codon 1929 of the DYNC2H1 protein (p.Ile1929Thr).